The following is an entry in ClinVar:

ClinVar aggregate classification (germline): Uncertain significance (1 of 4 stars; one submission).

gnomAD v4.1: 1 of 1,613,162 alleles (0.000062%); highest among the groups gnomAD compares: South Asian, 0.0011%; no homozygotes.

Submission:

Labcorp Genetics (formerly Invitae), Labcorp
Classification: Uncertain significance. Last evaluated: 2023-02-09. Review status: criteria provided, single submitter. Criteria: Invitae Variant Classification Sherloc (09022015). Collection method: clinical testing. Allele origin: germline.
Comment: In summary, the available evidence is currently insufficient to determine the role of this variant in disease. Therefore, it has been classified as a Variant of Uncertain Significance. Variants that disrupt the consensus splice site are a relatively common cause of aberrant splicing (PMID: 17576681, 9536098). Algorithms developed to predict the effect of sequence changes on RNA splicing suggest that this variant may disrupt the consensus splice site. This variant has not been reported in the literature in individuals affected with POLE-related conditions. This variant is not present in population databases (gnomAD no frequency). This sequence change falls in intron 35 of the POLE gene. It does not directly change the encoded amino acid sequence of the POLE protein. It affects a nucleotide within the consensus splice site.

Literature cited by the submitters: PubMed 17576681; PubMed 9536098.

NM_006231.4(POLE):c.4551+3G>T

Gene: POLE (DNA polymerase epsilon, catalytic subunit; minus strand). Cytogenetic location: 12q24.33.
Variant type: single nucleotide variant.
Coding change: c.4551+3G>T on transcript NM_006231.4 (MANE Select); 3 bases into the intron after coding-DNA position 4551, G replaced by T.
Molecular consequence: intron variant.
Genome position (GRCh38, 1-based): chr12:132,643,221, C>A on the plus strand (G>T on the coding strand, the complement: POLE is on the minus strand). VCF-style: chr12-132643221-C-A. GRCh37 (hg19) VCF-style: chr12-133219807-C-A.
Identifiers: ClinVar variation 2835662 (VCV002835662.3), dbSNP rs1565938943, ClinGen allele CA2622049586.